The following is an entry in ClinVar:

NM_005502.4(ABCA1):c.5692G>A (p.Glu1898Lys)

Gene: ABCA1 (ATP binding cassette subfamily A member 1; minus strand). Cytogenetic location: 9q31.1.
Variant type: single nucleotide variant.
Coding change: c.5692G>A on transcript NM_005502.4 (MANE Select); coding-DNA position 5692, G replaced by A.
Protein change: p.Glu1898Lys; replaces glutamic acid 1898 with lysine.
Molecular consequence: missense variant.
Genome position (GRCh38, 1-based): chr9:104,792,851, C>T on the plus strand (G>A on the coding strand, the complement: ABCA1 is on the minus strand). VCF-style: chr9-104792851-C-T. GRCh37 (hg19) VCF-style: chr9-107555132-C-T.
Other names: short protein forms E1898K.
Identifiers: ClinVar variation 4827617 (VCV004827617.1).

ClinVar aggregate classification (germline): Uncertain significance (1 of 4 stars; one submission).

Conditions:
Cardiovascular phenotype. Identifiers: MedGen CN230736.

Submission:

Ambry Genetics
Classification: Uncertain significance for Cardiovascular phenotype. Last evaluated: 2026-03-12. Review status: criteria provided, single submitter. Criteria: Ambry Variant Classification Scheme 2023. Collection method: clinical testing. Allele origin: germline.
Comment: The p.E1898K variant (also known as c.5692G>A), located in coding exon 41 of the ABCA1 gene, results from a G to A substitution at nucleotide position 5692. The glutamic acid at codon 1898 is replaced by lysine, an amino acid with similar properties. This amino acid position is conserved. In addition, this alteration is predicted to be deleterious by in silico analysis. Based on the available evidence, the clinical significance of this variant remains unclear.